The following is an entry in ClinVar:

NM_001243133.2(NLRP3):c.1970C>A (p.Thr657Asn)

Gene: NLRP3 (NLR family pyrin domain containing 3; plus strand). Cytogenetic location: 1q44.
Variant type: single nucleotide variant.
Coding change: c.1970C>A on transcript NM_001243133.2 (MANE Select); coding-DNA position 1970, C replaced by A.
Protein change: p.Thr657Asn; replaces threonine 657 with asparagine.
Molecular consequence: missense variant.
Genome position (GRCh38, 1-based): chr1:247,425,419, C>A. VCF-style: chr1-247425419-C-A. GRCh37 (hg19) VCF-style: chr1-247588721-C-A.
Other names: c.1970C>A, p.Thr657Asn (NM_001079821.3, NM_001127461.3, NM_001127462.3 and 1 more transcripts); c.1976C>A, p.Thr659Asn (NM_004895.5); short protein forms T657N, T659N.
Identifiers: ClinVar variation 945457 (VCV000945457.11), dbSNP rs201875324, ClinGen allele CA345558371.
Genomic context (GRCh38, chr1:247,425,419, plus strand): 5'-AGGAGGACTTCGTGCAAAGGGCCATGGACTATTTCCCCAAGATTGAGATCAATCTCTCCA[C>A]CAGAATGGACCACATGGTTTCTTCCTTTTGCATTGAGAACTGTCATCGGGTGGAGTCACT-3'
Protein context (NP_001230062.1, residues 647-667): YFPKIEINLS[Thr657Asn]RMDHMVSSFC

ClinVar aggregate classification (germline): Uncertain significance. Review status: criteria provided, multiple submitters, no conflicts (2 of 4 stars). 3 submissions from 3 submitters: Uncertain significance (3). Last evaluated 2024-06-01.

Conditions:
Chronic infantile neurological, cutaneous and articular syndrome (CINCA). Also called: CHRONIC NEUROLOGIC CUTANEOUS AND ARTICULAR SYNDROME; CRYOPYRIN-ASSOCIATED PERIODIC SYNDROME 3; Prieur Griscelli syndrome; CINCA syndrome. Identifiers: Orphanet 1451, MedGen C0409818, MONDO:0011776, OMIM 607115.
Familial amyloid nephropathy with urticaria AND deafness (MWS). Also called: MUCKLE-WELLS SYNDROME; Urticaria, deafness and amyloidosis; CRYOPYRIN-ASSOCIATED PERIODIC SYNDROME 2; UDA SYNDROME; URTICARIA-DEAFNESS-AMYLOIDOSIS SYNDROME. Identifiers: Orphanet 575, MedGen C0268390, MONDO:0008633, OMIM 191900.
Familial cold autoinflammatory syndrome 1 (FCAS1). Also called: Familial cold inflammatory syndrome 1; CRYOPYRIN-ASSOCIATED PERIODIC SYNDROME 1. Identifiers: Orphanet 47045, MedGen C4551895, MONDO:0007349, OMIM 120100.
Keratitis fugax hereditaria. Also called: KERATOENDOTHELIITIS FUGAX HEREDITARIA. Identifiers: Orphanet 647815, MedGen C1835697, MONDO:0007849, OMIM 148200.
Hearing loss, autosomal dominant 34, with or without inflammation. Also called: DEAFNESS, AUTOSOMAL DOMINANT 34, WITH OR WITHOUT INFLAMMATION. Identifiers: MedGen C4521680, MONDO:0033261, OMIM 617772.
Cryopyrin associated periodic syndrome (CAPS). Identifiers: Orphanet 208650, MedGen C2316212, MONDO:0016168.

Allele frequency attached by ClinVar (database versions not stated): gnomAD exomes below 0.00001.
gnomAD v4.1: 2 of 1,614,214 alleles (0.00012%); highest among the groups gnomAD compares: Non-Finnish European, 0.00017%; no homozygotes.

Submissions (3):

Fulgent Genetics
Classification: Uncertain significance for Familial cold autoinflammatory syndrome 1; Keratitis fugax hereditaria; Familial amyloid nephropathy with urticaria AND deafness; Chronic infantile neurological, cutaneous and articular syndrome; Hearing loss, autosomal dominant 34, with or without inflammation. Last evaluated: 2024-06-01. Review status: criteria provided, single submitter. Criteria: ACMG Guidelines, 2015. Collection method: clinical testing. Allele origin: germline.

Labcorp Genetics (formerly Invitae), Labcorp
Classification: Uncertain significance for Cryopyrin associated periodic syndrome. Last evaluated: 2023-12-26. Review status: criteria provided, single submitter. Criteria: Invitae Variant Classification Sherloc (09022015). Collection method: clinical testing. Allele origin: germline.
Comment: This sequence change replaces threonine, which is neutral and polar, with asparagine, which is neutral and polar, at codon 659 of the NLRP3 protein (p.Thr659Asn). This variant is not present in population databases (gnomAD no frequency). This missense change has been observed in individual(s) with neutrophilic urticarial dermatosis (PMID: 32490121). ClinVar contains an entry for this variant (Variation ID: 945457). Advanced modeling of protein sequence and biophysical properties (such as structural, functional, and spatial information, amino acid conservation, physicochemical variation, residue mobility, and thermodynamic stability) has been performed at Invitae for this missense variant, however the output from this modeling did not meet the statistical confidence thresholds required to predict the impact of this variant on NLRP3 protein function. In summary, the available evidence is currently insufficient to determine the role of this variant in disease. Therefore, it has been classified as a Variant of Uncertain Significance.

GeneDx
Classification: Uncertain significance. Last evaluated: 2023-11-13. Review status: criteria provided, single submitter. Criteria: GeneDx Variant Classification Process June 2021. Collection method: clinical testing. Allele origin: germline. Affected: yes.
Comment: Identified in a patient with neutrophilic urticarial dermatosis and bilateral sensorineural hearing loss in published literature, suggestive of a cryopyrin-associated periodic syndrome (PMID: 32490121); Not observed at significant frequency in large population cohorts (gnomAD); In silico analysis supports that this missense variant has a deleterious effect on protein structure/function; Also known as p.(T657N); This variant is associated with the following publications: (PMID: 32490121)

Literature cited by the submitters: PubMed 32490121 (cited by Labcorp Genetics (formerly Invitae), Labcorp).